The following is an entry in ClinVar:

NM_006073.4(TRDN):c.1283G>A (p.Arg428Gln)

Gene: TRDN (triadin; minus strand). Cytogenetic location: 6q22.31.
Variant type: single nucleotide variant.
Coding change: c.1283G>A on transcript NM_006073.4 (MANE Select); coding-DNA position 1283, G replaced by A.
Protein change: p.Arg428Gln; replaces arginine 428 with glutamine.
Molecular consequence: missense variant.
Genome position (GRCh38, 1-based): chr6:123,366,173, C>T on the plus strand (G>A on the coding strand, the complement: TRDN is on the minus strand). VCF-style: chr6-123366173-C-T. GRCh37 (hg19) VCF-style: chr6-123687318-C-T.
Other names: c.1286G>A, p.Arg429Gln (NM_001251987.2); short protein forms R428Q, R429Q.
Identifiers: ClinVar variation 1351591 (VCV001351591.5), dbSNP rs371336992, ClinGen allele CA3984017.
Genomic context (GRCh38, chr6:123,366,173, plus strand): 5'-TTTATCTTTAAGCTGCATTTACCTTTTTTAATTGAAACCGCACCAATCTCCTCTTTGGCT[C>T]GTTCAGTTTCTGCAAGTTCAGATATTAAAGGAATGAGAAGTGGATATTAGTGATGCCAAA-3'
Protein context (NP_006064.2, residues 418-438): SDKQVKAKTE[Arg428Gln]AKEEIGAVSI

ClinVar aggregate classification (germline): Uncertain significance. Review status: criteria provided, multiple submitters, no conflicts (2 of 4 stars). 2 submissions from 2 submitters: Uncertain significance (2). Last evaluated 2021-10-28.

Conditions:
Catecholaminergic polymorphic ventricular tachycardia 1. Also called: VENTRICULAR TACHYCARDIA, CATECHOLAMINERGIC POLYMORPHIC, 1, WITH OR WITHOUT ATRIAL DYSFUNCTION AND/OR DILATED CARDIOMYOPATHY; VENTRICULAR TACHYCARDIA, STRESS-INDUCED POLYMORPHIC 1; RYR2-Related Catecholaminergic Polymorphic Ventricular Tachycardia. Identifiers: Orphanet 3286, MedGen C1631597, MONDO:0011484, OMIM 604772.
Catecholaminergic polymorphic ventricular tachycardia 5 (CARDAR). Also called: Ventricular tachycardia, catecholaminergic polymorphic, 5, with or without muscle weakness; CARDIAC ARRHYTHMIA SYNDROME, WITH OR WITHOUT SKELETAL MUSCLE WEAKNESS. Identifiers: Orphanet 3286, MedGen C3809536, MONDO:0014191, OMIM 615441.

Allele frequency attached by ClinVar (database versions not stated): gnomAD 0.00001 and 0.00003; gnomAD exomes 0.00001; TOPMed 0.00002; ExAC 0.00003; 1000 Genomes Project 30x 0.00031; 1000 Genomes Project 0.00040.
gnomAD v4.1: 17 of 1,612,788 alleles (0.0011%); highest among the groups gnomAD compares: Middle Eastern, 0.017%; no homozygotes.

Submissions (2):

Fulgent Genetics
Classification: Uncertain significance for Catecholaminergic polymorphic ventricular tachycardia 1; Catecholaminergic polymorphic ventricular tachycardia 5. Last evaluated: 2021-10-28. Review status: criteria provided, single submitter. Criteria: ACMG Guidelines, 2015. Collection method: clinical testing. Allele origin: unknown.

Labcorp Genetics (formerly Invitae), Labcorp
Classification: Uncertain significance for Catecholaminergic polymorphic ventricular tachycardia 1. Last evaluated: 2021-09-20. Review status: criteria provided, single submitter. Criteria: Invitae Variant Classification Sherloc (09022015). Collection method: clinical testing. Allele origin: germline.
Comment: This sequence change replaces arginine with glutamine at codon 428 of the TRDN protein (p.Arg428Gln). The arginine residue is weakly conserved and there is a small physicochemical difference between arginine and glutamine. This variant is present in population databases (rs371336992, ExAC 0.003%). This variant has not been reported in the literature in individuals affected with TRDN-related conditions. Algorithms developed to predict the effect of missense changes on protein structure and function output the following: SIFT: "Tolerated"; PolyPhen-2: "Benign"; Align-GVGD: "Class C0". The glutamine amino acid residue is found in multiple mammalian species, which suggests that this missense change does not adversely affect protein function. In summary, the available evidence is currently insufficient to determine the role of this variant in disease. Therefore, it has been classified as a Variant of Uncertain Significance.